The following is an entry in ClinVar:

ClinVar aggregate classification (germline): Uncertain significance (1 of 4 stars; one submission).

Conditions:
SMCHD1-related disorder. Also called: SMCHD1-related condition.

Submission:

PreventionGenetics, part of Exact Sciences
Classification: Uncertain significance for SMCHD1-related condition. Last evaluated: 2023-03-20. Review status: criteria provided, single submitter. Criteria: ACMG Guidelines, 2015. Collection method: clinical testing. Allele origin: germline.
Comment: The SMCHD1 c.1420T>C variant is predicted to result in the amino acid substitution p.Cys474Arg. To our knowledge, this variant has not been reported in the literature or in a large population database, indicating this variant is rare. At this time, the clinical significance of this variant is uncertain due to the absence of conclusive functional and genetic evidence.

NM_015295.3(SMCHD1):c.1420T>C (p.Cys474Arg)

Gene: SMCHD1 (structural maintenance of chromosomes flexible hinge domain containing 1; plus strand). Cytogenetic location: 18p11.32.
Variant type: single nucleotide variant.
Coding change: c.1420T>C on transcript NM_015295.3 (MANE Select); coding-DNA position 1420, T replaced by C.
Protein change: p.Cys474Arg; replaces cysteine 474 with arginine.
Molecular consequence: missense variant.
Genome position (GRCh38, 1-based): chr18:2,700,616, T>C. VCF-style: chr18-2700616-T-C. GRCh37 (hg19) VCF-style: chr18-2700614-T-C.
Other names: short protein forms C474R.
Identifiers: ClinVar variation 2634474 (VCV002634474.1), dbSNP rs2510027284, ClinGen allele CA401699126.